The following is an entry in ClinVar:

NM_001378974.1(FBXW11):c.1001_1002delinsA (p.Leu334fs)

Gene: FBXW11 (F-box and WD repeat domain containing 11; minus strand). Cytogenetic location: 5q35.1.
Variant type: Indel.
Coding change: c.1001_1002delinsA on transcript NM_001378974.1 (MANE Select); coding-DNA positions 1001 to 1002, TT replaced by A.
Protein change: p.Leu334fs; shifts the reading frame from leucine 334.
Molecular consequence: frameshift variant.
Genome position (GRCh38, 1-based): chr5:171,876,504-171,876,505, AA replaced by T on the plus strand (TT replaced by A on the coding strand, the reverse complement: FBXW11 is on the minus strand). VCF-style: chr5-171876504-AA-T. GRCh37 (hg19) VCF-style: chr5-171303508-AA-T.
Other names: c.932_933delinsA, p.Leu311fs (NM_001378975.1); c.905_906delinsA, p.Leu302fs (NM_001378976.1); c.842_843delinsA, p.Leu281fs (NM_001378977.1, NM_001378978.1, NM_001378979.1); c.836_837delinsA, p.Leu279fs (NM_001378980.1, NM_033645.3); c.938_939delinsA, p.Leu313fs (NM_012300.3); c.899_900delinsA, p.Leu300fs (NM_033644.3); short protein forms L279fs, L281fs, L300fs, L302fs, L311fs, L313fs, L334fs.
Identifiers: ClinVar variation 1723553 (VCV001723553.2), dbSNP rs2480128944, ClinGen allele CA2580074037.

ClinVar aggregate classification (germline): Uncertain significance (1 of 4 stars; one submission).

Submission:

GeneDx
Classification: Uncertain significance. Last evaluated: 2022-05-11. Review status: criteria provided, single submitter. Criteria: GeneDx Variant Classification Process June 2021. Collection method: clinical testing. Allele origin: germline. Affected: yes.
Comment: Not observed at significant frequency in large population cohorts (gnomAD); Frameshift variant predicted to result in protein truncation or nonsense mediated decay in a gene or region of a gene for which loss of function is not a well-established mechanism of disease; Has not been previously published as pathogenic or benign to our knowledge